The following is an entry in ClinVar:

ClinVar aggregate classification (germline): Likely pathogenic (1 of 4 stars; one submission).

Conditions:
Hypertrophic cardiomyopathy. Also called: HYPERTROPHIC MYOCARDIOPATHY. Identifiers: Orphanet 217569, MedGen C0007194, MeSH D002312, MONDO:0005045, HP:0001639.

Submission:

Labcorp Genetics (formerly Invitae), Labcorp
Classification: Likely pathogenic for Hypertrophic cardiomyopathy. Last evaluated: 2018-09-04. Review status: criteria provided, single submitter. Criteria: Invitae Variant Classification Sherloc (09022015). Collection method: clinical testing. Allele origin: germline.
Comment: This sequence change replaces leucine with proline at codon 135 of the TNNI3 protein (p.Leu135Pro). The leucine residue is highly conserved and there is a moderate physicochemical difference between leucine and proline. This variant is not present in population databases (ExAC no frequency). A computational algorithm designed to assess the pathogenicity of variants in TNNI3 with regard to hypertrophic cardiomyopathy predicted this sequence change to be deleterious. The algorithm has a sensitivity of 94% and a specificity of 89% (PMID: 21310275). In summary, the currently available evidence indicates that the variant is pathogenic, but additional data are needed to prove that conclusively. Therefore, this variant has been classified as Likely Pathogenic.

Literature cited by the submitters: PubMed 21310275.

NM_000363.5(TNNI3):c.404T>C (p.Leu135Pro)

Gene: TNNI3 (troponin I3, cardiac type; minus strand). Cytogenetic location: 19q13.42.
Variant type: single nucleotide variant.
Coding change: c.404T>C on transcript NM_000363.5 (MANE Select); coding-DNA position 404, T replaced by C.
Protein change: p.Leu135Pro; replaces leucine 135 with proline.
Molecular consequence: missense variant.
Genome position (GRCh38, 1-based): chr19:55,154,175, A>G on the plus strand (T>C on the coding strand, the complement: TNNI3 is on the minus strand). VCF-style: chr19-55154175-A-G. GRCh37 (hg19) VCF-style: chr19-55665543-A-G.
Other names: c.404T>C (LRG_432t1); short protein forms L135P.
Identifiers: ClinVar variation 578588 (VCV000578588.9), dbSNP rs1568858210, ClinGen allele CA407440682.